The following is an entry in ClinVar:

NM_001267550.2(TTN):c.99865+3A>T

Genes: TTN-AS1 (TTN antisense RNA 1; plus strand), TTN (titin; minus strand), LOC126806420 (BRD4-independent group 4 enhancer GRCh37_chr2:179401104-179402303; plus strand). Cytogenetic location: 2q31.2.
Variant type: single nucleotide variant.
Coding change: c.99865+3A>T on transcript NM_001267550.2 (MANE Select); 3 bases into the intron after coding-DNA position 99865, A replaced by T.
Molecular consequence: intron variant.
Genome position (GRCh38, 1-based): chr2:178,537,339, T>A on the plus strand (A>T on the coding strand, the complement: TTN is on the minus strand). VCF-style: chr2-178537339-T-A. GRCh37 (hg19) VCF-style: chr2-179402066-T-A.
Other names: c.72670+3A>T (NM_003319.4); c.73246+3A>T (NM_133437.4); c.73045+3A>T (NM_133432.3); c.92161+3A>T (NM_133378.4); c.94942+3A>T (NM_001256850.1).
Identifiers: ClinVar variation 961071 (VCV000961071.10), dbSNP rs1692081223, ClinGen allele CA1139657380.

ClinVar aggregate classification (germline): Uncertain significance (1 of 4 stars; one submission).

Conditions:
Dilated cardiomyopathy 1G (CMD1G). Identifiers: Orphanet 154, MedGen C1858763, MONDO:0011400, OMIM 604145.
Autosomal recessive limb-girdle muscular dystrophy type 2J (LGMDR10). Also called: Limb-girdle muscular dystrophy, type 2J; MUSCULAR DYSTROPHY, LIMB-GIRDLE, AUTOSOMAL RECESSIVE 10. Identifiers: Orphanet 140922, MedGen C1837342, MONDO:0012127, OMIM 608807.

Submission:

Labcorp Genetics (formerly Invitae), Labcorp
Classification: Uncertain significance for Dilated cardiomyopathy 1G; Autosomal recessive limb-girdle muscular dystrophy type 2J. Last evaluated: 2019-08-17. Review status: criteria provided, single submitter. Criteria: Invitae Variant Classification Sherloc (09022015). Collection method: clinical testing. Allele origin: germline.
Comment: This variant is located in the A band of TTN (PMID: 25589632). Variants in this region may be relevant for cardiac or neuromuscular disorders (PMID: 25589632, 23975875). In summary, the available evidence is currently insufficient to determine the role of this variant in disease. Therefore, it has been classified as a Variant of Uncertain Significance. Nucleotide substitutions within the consensus splice site are a relatively common cause of aberrant splicing (PMID: 17576681, 9536098). Algorithms developed to predict the effect of sequence changes on RNA splicing suggest that this variant may disrupt the consensus splice site, but this prediction has not been confirmed by published transcriptional studies. This sequence change falls in intron 355 of the TTN gene. It does not directly change the encoded amino acid sequence of the TTN protein, but it affects a nucleotide within the consensus splice site of the intron. This variant has been observed in an individual affected with limb-girdle muscular dystrophy (PMID: 27066551). This variant is also known as c.921611+3A>T in the literature. This variant is not present in population databases (ExAC no frequency).

Literature cited by the submitters: PubMed 25589632; PubMed 23975875; PubMed 17576681; PubMed 9536098; PubMed 27066551.